The following is an entry in ClinVar:

NM_003482.4(KMT2D):c.7674A>G (p.Pro2558=)

Gene: KMT2D (lysine methyltransferase 2D; minus strand). Cytogenetic location: 12q13.12.
Variant type: single nucleotide variant.
Coding change: c.7674A>G on transcript NM_003482.4 (MANE Select); coding-DNA position 7674, A replaced by G.
Protein change: p.Pro2558=; no amino-acid change (proline 2558 retained).
Molecular consequence: synonymous variant.
Genome position (GRCh38, 1-based): chr12:49,040,096, T>C on the plus strand (A>G on the coding strand, the complement: KMT2D is on the minus strand). VCF-style: chr12-49040096-T-C. GRCh37 (hg19) VCF-style: chr12-49433879-T-C.
Identifiers: ClinVar variation 4996474 (VCV004996474.1).
Genomic context (GRCh38, chr12:49,040,096, plus strand): 5'-TGTGCTTTGAGGCTTGCCCAAGGTGGGGCCGGGCCCAAAATGGCTGTTGATCCCATGGGG[T>C]GGCGGGAGACCAGGCTGAGGGACAGGGGGCTTTAGGGAAGGCTCCCCTACTGCCTGAGGG-3'
Protein context (NP_003473.3, residues 2548-2568): KPPVPQPGLP[Pro2558=]PHGINSHFGP

ClinVar aggregate classification (germline): Likely benign (1 of 4 stars; one submission).

Conditions:
KMT2D-related disorder. Also called: KMT2D-Related Disorders.

Submission:

PreventionGenetics, part of Exact Sciences
Classification: Likely benign for KMT2D-related condition. Last evaluated: 2026-06-25. Review status: criteria provided, single submitter. Criteria: ACMG Guidelines, 2015. Collection method: clinical testing. Allele origin: germline.
Comment: This variant is classified as likely benign based on ACMG/AMP sequence variant interpretation guidelines (Richards et al. 2015 PMID: 25741868, with internal and published modifications).